The following is an entry in ClinVar:

NM_000277.3(PAH):c.1096C>T (p.Pro366Ser)

Gene: PAH (phenylalanine hydroxylase; minus strand). Cytogenetic location: 12q23.2.
Variant type: single nucleotide variant.
Coding change: c.1096C>T on transcript NM_000277.3 (MANE Select); coding-DNA position 1096, C replaced by T.
Protein change: p.Pro366Ser; replaces proline 366 with serine.
Molecular consequence: missense variant.
Genome position (GRCh38, 1-based): chr12:102,843,749, G>A on the plus strand (C>T on the coding strand, the complement: PAH is on the minus strand). VCF-style: chr12-102843749-G-A. GRCh37 (hg19) VCF-style: chr12-103237527-G-A.
Other names: c.1096C>T, p.Pro366Ser (NM_001354304.2); short protein forms P366S.
Identifiers: ClinVar variation 1067076 (VCV001067076.7), dbSNP rs2136635839, ClinGen allele CA386493310.
Genomic context (GRCh38, chr12:102,843,749, plus strand): 5'-AGAGGGGCTGGAACTCCGTGACAGTGTAATTTTGGATGGCTGTCTTCTCCAGCTCCAGGG[G>A]GAGAAGCTTTGGCTTCTCTGATAAGCAGTACTGTAGGCCCCAAGTGAAAAGTTATTATCA-3'
Protein context (NP_000268.1, residues 356-376): YCLSEKPKLL[Pro366Ser]LELEKTAIQN

ClinVar aggregate classification (germline): Likely pathogenic (1 of 4 stars; one submission).

Conditions:
Phenylketonuria (PKU). Also called: Phenylketonurias; Phenylketonuria (PKU); OLIGOPHRENIA PHENYLPYRUVICA; FOLLING DISEASE. Identifiers: Orphanet 716, MedGen C0031485, MONDO:0009861, OMIM 261600. Disease mechanism: loss of function.

Allele frequency attached by ClinVar (database versions not stated): gnomAD exomes 0.00001.
gnomAD v4.1: 10 of 1,613,598 alleles (0.00062%); highest among the groups gnomAD compares: African/African-American, 0.0013%; no homozygotes.

Submission:

Labcorp Genetics (formerly Invitae), Labcorp
Classification: Likely pathogenic for Phenylketonuria. Last evaluated: 2024-07-31. Review status: criteria provided, single submitter. Criteria: Invitae Variant Classification Sherloc (09022015). Collection method: clinical testing. Allele origin: germline.
Comment: This sequence change replaces proline, which is neutral and non-polar, with serine, which is neutral and polar, at codon 366 of the PAH protein (p.Pro366Ser). This variant is not present in population databases (gnomAD no frequency). This missense change has been observed in individual(s) with hyperphenylalaninemia (Invitae). ClinVar contains an entry for this variant (Variation ID: 1067076). Advanced modeling of protein sequence and biophysical properties (such as structural, functional, and spatial information, amino acid conservation, physicochemical variation, residue mobility, and thermodynamic stability) performed at Invitae indicates that this missense variant is not expected to disrupt PAH protein function with a negative predictive value of 80%. This variant disrupts the p.Pro366 amino acid residue in PAH. Other variant(s) that disrupt this residue have been determined to be pathogenic (PMID: 17096675, 19292873, 19609714, 22841515, 26210745). This suggests that this residue is clinically significant, and that variants that disrupt this residue are likely to be disease-causing. In summary, the currently available evidence indicates that the variant is pathogenic, but additional data are needed to prove that conclusively. Therefore, this variant has been classified as Likely Pathogenic.

Literature cited by the submitters: PubMed 17096675; PubMed 19292873; PubMed 19609714; PubMed 22841515; PubMed 26210745.